The following is an entry in ClinVar:

ClinVar aggregate classification (germline): Uncertain significance (1 of 4 stars; one submission).

Conditions:
Myopathy, centronuclear, 2 (CNM2). Also called: MYOTUBULAR MYOPATHY, AUTOSOMAL RECESSIVE. Identifiers: Orphanet 169186, MedGen CN031787, MONDO:0009709, OMIM 255200.

gnomAD v4.1: 3 of 1,613,264 alleles (0.00019%); highest among the groups gnomAD compares: Non-Finnish European, 0.00017%; no homozygotes.

Submission:

Labcorp Genetics (formerly Invitae), Labcorp
Classification: Uncertain significance for Myopathy, centronuclear, 2. Last evaluated: 2024-11-13. Review status: criteria provided, single submitter. Criteria: Invitae Variant Classification Sherloc (09022015). Collection method: clinical testing. Allele origin: germline.
Comment: This sequence change replaces arginine, which is basic and polar, with glutamine, which is neutral and polar, at codon 66 of the BIN1 protein (p.Arg66Gln). This variant is not present in population databases (gnomAD no frequency). This variant has not been reported in the literature in individuals affected with BIN1-related conditions. Invitae Evidence Modeling of protein sequence and biophysical properties (such as structural, functional, and spatial information, amino acid conservation, physicochemical variation, residue mobility, and thermodynamic stability) indicates that this missense variant is not expected to disrupt BIN1 protein function with a negative predictive value of 80%. In summary, the available evidence is currently insufficient to determine the role of this variant in disease. Therefore, it has been classified as a Variant of Uncertain Significance.

NM_139343.3(BIN1):c.197G>A (p.Arg66Gln)

Gene: BIN1 (bridging integrator 1; minus strand). Cytogenetic location: 2q14.3.
Variant type: single nucleotide variant.
Coding change: c.197G>A on transcript NM_139343.3 (MANE Select); coding-DNA position 197, G replaced by A.
Protein change: p.Arg66Gln; replaces arginine 66 with glutamine.
Molecular consequence: missense variant.
Genome position (GRCh38, 1-based): chr2:127,070,785, C>T on the plus strand (G>A on the coding strand, the complement: BIN1 is on the minus strand). VCF-style: chr2-127070785-C-T. GRCh37 (hg19) VCF-style: chr2-127828361-C-T.
Other names: c.197G>A, p.Arg66Gln (NM_001320632.2, NM_001320633.2, NM_001320640.2 and 10 more transcripts); c.125G>A, p.Arg42Gln (NM_001320634.1); c.116G>A, p.Arg39Gln (NM_001320642.1); short protein forms R39Q, R42Q, R66Q.
Identifiers: ClinVar variation 3624947 (VCV003624947.2).